The following is an entry in ClinVar:

NM_020921.4(NIN):c.5114T>A (p.Val1705Asp)

Genes: NIN (ninein; minus strand), LOC126861936 (BRD4-independent group 4 enhancer GRCh37_chr14:51210620-51211819; plus strand). Cytogenetic location: 14q22.1.
Variant type: single nucleotide variant.
Coding change: c.5114T>A on transcript NM_020921.4 (MANE Select); coding-DNA position 5114, T replaced by A.
Protein change: p.Val1705Asp; replaces valine 1705 with aspartic acid.
Molecular consequence: missense variant.
Genome position (GRCh38, 1-based): chr14:50,744,316, A>T on the plus strand (T>A on the coding strand, the complement: NIN is on the minus strand). VCF-style: chr14-50744316-A-T. GRCh37 (hg19) VCF-style: chr14-51211034-A-T.
Other names: c.2975T>A, p.Val992Asp (NM_016350.5); c.5114T>A, p.Val1705Asp (NM_182944.3, NM_182946.2); short protein forms V1705D, V992D.
Identifiers: ClinVar variation 3919736 (VCV003919736.2).

ClinVar aggregate classification (germline): Uncertain significance. Review status: criteria provided, multiple submitters, no conflicts (2 of 4 stars). 2 submissions from 2 submitters: Uncertain significance (2). Last evaluated 2025-05-28.

gnomAD v4.1: 29 of 1,614,022 alleles (0.0018%); highest among the groups gnomAD compares: Admixed American, 0.015%; no homozygotes.

Submissions (2):

Ambry Genetics
Classification: Uncertain significance. Last evaluated: 2025-05-28. Review status: criteria provided, single submitter. Criteria: Ambry Variant Classification Scheme 2023. Collection method: clinical testing. Allele origin: germline.

Labcorp Genetics (formerly Invitae), Labcorp
Classification: Uncertain significance. Last evaluated: 2025-03-05. Review status: criteria provided, single submitter. Criteria: Invitae Variant Classification Sherloc (09022015). Collection method: clinical testing. Allele origin: germline.
Comment: This sequence change replaces valine, which is neutral and non-polar, with aspartic acid, which is acidic and polar, at codon 1705 of the NIN protein (p.Val1705Asp). This variant is present in population databases (rs761477240, gnomAD 0.03%). This variant has not been reported in the literature in individuals affected with NIN-related conditions. An algorithm developed to predict the effect of missense changes on protein structure and function (PolyPhen-2) suggests that this variant is likely to be disruptive. In summary, the available evidence is currently insufficient to determine the role of this variant in disease. Therefore, it has been classified as a Variant of Uncertain Significance.